The following is an entry in ClinVar:

ClinVar aggregate classification (germline): Likely benign (1 of 4 stars; one submission).

Allele frequency attached by ClinVar (database versions not stated): 1000 Genomes Project 0.00619; ExAC 0.00875; gnomAD 0.01033.

Submission:

CeGaT Center for Human Genetics Tuebingen
Classification: Likely benign. Last evaluated: 2023-02-01. Review status: criteria provided, single submitter. Criteria: CeGaT Center For Human Genetics Tuebingen Variant Classification Criteria Version 2. Collection method: clinical testing. Allele origin: germline. Affected: yes. Observed: 1 variant allele.
Comment: RP11-467N20.5: BS2

NM_001396956.1(GOLGA6L22):c.1991A>G (p.Glu664Gly)

Gene: GOLGA6L22 (golgin A6 family like 22; plus strand). Cytogenetic location: 15q11.2.
Variant type: single nucleotide variant.
Coding change: c.1991A>G on transcript NM_001396956.1 (MANE Select); coding-DNA position 1991, A replaced by G.
Protein change: p.Glu664Gly; replaces glutamic acid 664 with glycine.
Molecular consequence: missense variant.
Genome position (GRCh38, 1-based): chr15:22,466,251, A>G. VCF-style: chr15-22466251-A-G. GRCh37 (hg19) VCF-style: chr15-23406845-T-C.
Other names: c.1988A>G, p.Glu663Gly (NM_001396957.1); short protein forms E663G, E664G.
Identifiers: ClinVar variation 2644963 (VCV002644963.23), dbSNP rs562628195, ClinGen allele CA7427369.